The following is an entry in ClinVar:

ClinVar aggregate classification (germline): Uncertain significance (1 of 4 stars; one submission).

Conditions:
COPA-related disorder. Also called: COPA-related condition.

gnomAD v4.1: 2 of 1,614,104 alleles (0.00012%); highest among the groups gnomAD compares: South Asian, 0.0011%; no homozygotes.

Submission:

PreventionGenetics, part of Exact Sciences
Classification: Uncertain significance for COPA-related condition. Last evaluated: 2023-07-12. Review status: criteria provided, single submitter. Criteria: ACMG Guidelines, 2015. Collection method: clinical testing. Allele origin: germline.
Comment: The COPA c.3329A>G variant is predicted to result in the amino acid substitution p.Asn1110Ser. To our knowledge, this variant has not been reported in the literature or in a large population database, indicating this variant is rare. At this time, the clinical significance of this variant is uncertain due to the absence of conclusive functional and genetic evidence.

NM_004371.4(COPA):c.3329A>G (p.Asn1110Ser)

Gene: COPA (COPI coat complex subunit alpha; minus strand). Cytogenetic location: 1q23.2.
Variant type: single nucleotide variant.
Coding change: c.3329A>G on transcript NM_004371.4 (MANE Select); coding-DNA position 3329, A replaced by G.
Protein change: p.Asn1110Ser; replaces asparagine 1110 with serine.
Molecular consequence: missense variant.
Genome position (GRCh38, 1-based): chr1:160,291,426, T>C on the plus strand (A>G on the coding strand, the complement: COPA is on the minus strand). VCF-style: chr1-160291426-T-C. GRCh37 (hg19) VCF-style: chr1-160261216-T-C.
Other names: c.3356A>G, p.Asn1119Ser (NM_001098398.2); short protein forms N1110S, N1119S.
Identifiers: ClinVar variation 2635878 (VCV002635878.1), dbSNP rs2525346860, ClinGen allele CA343271159.